The following is an entry in ClinVar:

NM_002890.3(RASA1):c.1253+2T>C

Genes: CCNH (cyclin H; minus strand), RASA1 (RAS p21 protein activator 1; plus strand). Cytogenetic location: 5q14.3.
Variant type: single nucleotide variant.
Coding change: c.1253+2T>C on transcript NM_002890.3 (MANE Select); the canonical splice donor site of the intron after coding-DNA position 1253, T replaced by C.
Molecular consequence: splice donor variant. On other transcripts: intron variant (1).
Genome position (GRCh38, 1-based): chr5:87,349,366, T>C. VCF-style: chr5-87349366-T-C. GRCh37 (hg19) VCF-style: chr5-86645183-T-C.
Other names: c.722+2T>C (NM_022650.3); c.934-36571A>G (NM_001364075.2).
Identifiers: ClinVar variation 2104148 (VCV002104148.4), dbSNP rs2531256481, ClinGen allele CA360364290.

ClinVar aggregate classification (germline): Likely pathogenic (1 of 4 stars; one submission).

Conditions:
Capillary malformation-arteriovenous malformation syndrome. Also called: Capillary malformation-arteriovenous malformation. Identifiers: Orphanet 137667, MedGen C1842180, MONDO:0012016.

Submission:

Labcorp Genetics (formerly Invitae), Labcorp
Classification: Likely pathogenic for Capillary malformation-arteriovenous malformation syndrome. Last evaluated: 2022-04-10. Review status: criteria provided, single submitter. Criteria: Invitae Variant Classification Sherloc (09022015). Collection method: clinical testing. Allele origin: germline.
Comment: This sequence change affects a donor splice site in intron 8 of the RASA1 gene. It is expected to disrupt RNA splicing. Variants that disrupt the donor or acceptor splice site typically lead to a loss of protein function (PMID: 16199547), and loss-of-function variants in RASA1 are known to be pathogenic (PMID: 24038909). This variant is not present in population databases (gnomAD no frequency). This variant has not been reported in the literature in individuals affected with RASA1-related conditions. Algorithms developed to predict the effect of sequence changes on RNA splicing suggest that this variant may disrupt the consensus splice site. In summary, the currently available evidence indicates that the variant is pathogenic, but additional data are needed to prove that conclusively. Therefore, this variant has been classified as Likely Pathogenic.

Literature cited by the submitters: PubMed 16199547; PubMed 24038909.